The following is an entry in ClinVar:

ClinVar aggregate classification (germline): Uncertain significance (1 of 4 stars; one submission).

gnomAD v4.1: 5 of 1,614,150 alleles (0.00031%); highest among the groups gnomAD compares: Non-Finnish European, 0.00042%; no homozygotes.

Submission:

Labcorp Genetics (formerly Invitae), Labcorp
Classification: Uncertain significance. Last evaluated: 2022-07-29. Review status: criteria provided, single submitter. Criteria: Invitae Variant Classification Sherloc (09022015). Collection method: clinical testing. Allele origin: germline.
Comment: In summary, the available evidence is currently insufficient to determine the role of this variant in disease. Therefore, it has been classified as a Variant of Uncertain Significance. Experimental studies and prediction algorithms are not available or were not evaluated, and the functional significance of this variant is currently unknown. This variant has not been reported in the literature in individuals affected with COL18A1-related conditions. This variant is not present in population databases (gnomAD no frequency). This sequence change replaces threonine, which is neutral and polar, with proline, which is neutral and non-polar, at codon 291 of the COL18A1 protein (p.Thr291Pro).

NM_001379500.1(COL18A1):c.871A>C (p.Thr291Pro)

Gene: COL18A1 (collagen type XVIII alpha 1 chain; plus strand). Cytogenetic location: 21q22.3.
Variant type: single nucleotide variant.
Coding change: c.871A>C on transcript NM_001379500.1 (MANE Select); coding-DNA position 871, A replaced by C.
Protein change: p.Thr291Pro; replaces threonine 291 with proline.
Molecular consequence: missense variant.
Genome position (GRCh38, 1-based): chr21:45,476,423, A>C. VCF-style: chr21-45476423-A-C. GRCh37 (hg19) VCF-style: chr21-46896337-A-C.
Other names: c.1411A>C, p.Thr471Pro (NM_030582.4); c.2116A>C, p.Thr706Pro (NM_130444.3); short protein forms T471P, T291P, T706P.
Identifiers: ClinVar variation 1946026 (VCV001946026.4), dbSNP rs751212893, ClinGen allele CA410514466.